The following is an entry in ClinVar:

ClinVar aggregate classification (germline): Conflicting classifications of pathogenicity. Review status: criteria provided, conflicting classifications (1 of 4 stars). 8 submissions from 8 submitters: Uncertain significance (3); Benign (1); Likely benign (4). Last evaluated 2026-04-08.

Conditions:
Granulomatous disease, chronic, autosomal recessive, cytochrome b-positive, type 2. Also called: Chronic Granulomatous Disease, Autosomal Recessive, Cytochrome b-Positive, Type II; GRANULOMATOUS DISEASE, CHRONIC, AUTOSOMAL RECESSIVE, 2; Chronic granulomatous disease due to deficiency of NCF-2; CGD, AUTOSOMAL RECESSIVE CYTOCHROME b-POSITIVE, TYPE II; GRANULOMATOUS DISEASE, CHRONIC, DUE TO NCF2 DEFICIENCY. Identifiers: Orphanet 379, MedGen C1856245, MONDO:0009310, OMIM 233710.

Allele frequency attached by ClinVar (database versions not stated): gnomAD 0.00169 and 0.00174; TOPMed 0.00175; ExAC 0.00187; gnomAD exomes 0.00192 and 0.00280; ESP Exome Variant Server 0.00200; 1000 Genomes Project 30x 0.00203; 1000 Genomes Project 0.00240.
gnomAD v4.1: 4,350 of 1,614,078 alleles (0.27%); highest among the groups gnomAD compares: Non-Finnish European, 0.32%; 10 homozygotes.

Submissions (8):

Women's Health and Genetics/Laboratory Corporation of America, LabCorp
Classification: Likely benign. Last evaluated: 2026-04-08. Review status: criteria provided, single submitter. Criteria: LabCorp Variant Classification Summary - May 2015. Collection method: clinical testing. Allele origin: germline.
Comment: Variant summary: NCF2 c.1081A>T (p.Thr361Ser) results in a conservative amino acid change located in the PB1 domain (IPR000270) of the encoded protein sequence. Algorithms developed to predict the effect of missense changes on protein structure and function are either unavailable or do not agree on the potential impact of this missense change. The variant allele was found at a frequency of 0.0019 in 251066 control chromosomes, predominantly at a frequency of 0.0027 within the Non-Finnish European subpopulation in the gnomAD database. The observed variant frequency within Non-Finnish European control individuals in the gnomAD database exceeds the estimated maximal expected allele frequency for disease-causing variants in NCF2. c.1081A>T has been reported in the literature in at least one heterozygous individual affected with inflammatory bowel disease without strong evidence for causality (Denson_2018). This report does not provide unequivocal conclusions about association of the variant with Chronic Granulomatous Disease. To our knowledge, no experimental evidence demonstrating an impact on protein function has been reported. The following publication have been ascertained in the context of this evaluation (PMID: 29454792). ClinVar contains an entry for this variant (Variation ID: 466297). Based on the evidence outlined above, the variant was classified as likely benign.

Labcorp Genetics (formerly Invitae), Labcorp
Classification: Likely benign for Granulomatous disease, chronic, autosomal recessive, cytochrome b-positive, type 2. Last evaluated: 2026-01-28. Review status: criteria provided, single submitter. Criteria: Invitae Variant Classification Sherloc (09022015). Collection method: clinical testing. Allele origin: germline.

Blueprint Genetics
Classification: Likely benign. Last evaluated: 2024-11-22. Review status: criteria provided, single submitter. Criteria: ACMG Guidelines, 2015. Collection method: clinical testing. Allele origin: germline.

Center for Genomics, Ann and Robert H. Lurie Children's Hospital of Chicago
Classification: Uncertain significance for Granulomatous disease, chronic, autosomal recessive, cytochrome b-positive, type 2. Last evaluated: 2021-12-08. Review status: criteria provided, single submitter. Criteria: ACMG Guidelines, 2015. Collection method: clinical testing. Allele origin: germline.
Comment: NCF2 NM_000433.3 exon 12 p.Thr361Ser (c.1081A>T): This variant has been reported in the literature in at least one individual with inflammatory bowel disease (Denson 2018 PMID:29454792). This variant is also present in 0.2% (333/128812) of European alleles in the Genome Aggregation Database and is present in ClinVar (Variation ID:466297). Evolutionary conservation and computational predictive tools suggest that this variant may impact the protein. In summary, data on this variant is insufficient for disease classification. Therefore, the clinical significance of this variant is uncertain.

Revvity Omics, Revvity
Classification: Uncertain significance for Granulomatous disease, chronic, autosomal recessive, cytochrome b-positive, type 2. Last evaluated: 2021-09-20. Review status: criteria provided, single submitter. Criteria: ACMG Guidelines, 2015. Collection method: clinical testing. Allele origin: germline.

CeGaT Center for Human Genetics Tuebingen
Classification: Uncertain significance. Last evaluated: 2021-06-01. Review status: criteria provided, single submitter. Criteria: CeGaT Center For Human Genetics Tuebingen Variant Classification Criteria Version 2. Collection method: clinical testing. Allele origin: germline. Affected: yes. Observed: 1 variant allele.

GeneDx
Classification: Likely benign. Last evaluated: 2020-12-07. Review status: criteria provided, single submitter. Criteria: GeneDx Variant Classification Process June 2021. Collection method: clinical testing. Allele origin: germline. Affected: yes.
Comment: In silico analysis supports that this missense variant has a deleterious effect on protein structure/function; This variant is associated with the following publications: (PMID: 29454792)

Illumina Laboratory Services, Illumina
Classification: Benign for Granulomatous disease, chronic, autosomal recessive, cytochrome b-positive, type 2. Last evaluated: 2017-05-25. Review status: criteria provided, single submitter. Criteria: ICSL Variant Classification Criteria 13 December 2019. Collection method: clinical testing. Allele origin: germline.
Comment: This variant was observed as part of a predisposition screen in an ostensibly healthy population. A literature search was performed for the gene, cDNA change, and amino acid change (where applicable). No publications were found based on this search. Allele frequency data from public databases was too high to be consistent with this variant causing disease. Therefore, this variant is classified as benign.

Literature cited by the submitters: PubMed 29454792 (cited by Women's Health and Genetics/Laboratory Corporation of America, LabCorp).

NM_000433.4(NCF2):c.1081A>T (p.Thr361Ser)

Gene: NCF2 (neutrophil cytosolic factor 2; minus strand). Cytogenetic location: 1q25.3.
Variant type: single nucleotide variant.
Coding change: c.1081A>T on transcript NM_000433.4 (MANE Select); coding-DNA position 1081, A replaced by T.
Protein change: p.Thr361Ser; replaces threonine 361 with serine.
Molecular consequence: missense variant.
Genome position (GRCh38, 1-based): chr1:183,563,531, T>A on the plus strand (A>T on the coding strand, the complement: NCF2 is on the minus strand). VCF-style: chr1-183563531-T-A. GRCh37 (hg19) VCF-style: chr1-183532666-T-A.
Other names: c.1081A>T, p.Thr361Ser (NM_001127651.3); c.838A>T, p.Thr280Ser (NM_001190789.2); c.946A>T, p.Thr316Ser (NM_001190794.2); short protein forms T361S, T316S, T280S.
Identifiers: ClinVar variation 466297 (VCV000466297.60), dbSNP rs147744729, ClinGen allele CA1284684.